The following is an entry in ClinVar:

NM_001009999.3(KDM1A):c.994C>G (p.Arg332Gly)

Gene: KDM1A (lysine demethylase 1A; plus strand). Cytogenetic location: 1p36.12.
Variant type: single nucleotide variant.
Coding change: c.994C>G on transcript NM_001009999.3 (MANE Select); coding-DNA position 994, C replaced by G.
Protein change: p.Arg332Gly; replaces arginine 332 with glycine.
Molecular consequence: missense variant.
Genome position (GRCh38, 1-based): chr1:23,057,487, C>G. VCF-style: chr1-23057487-C-G. GRCh37 (hg19) VCF-style: chr1-23383980-C-G.
Other names: c.934C>G, p.Arg312Gly (NM_001363654.2, NM_001410763.1, NM_015013.4); c.994C>G, p.Arg332Gly (NM_001410762.1); short protein forms R312G, R332G.
Identifiers: ClinVar variation 3532996 (VCV003532996.2).

ClinVar aggregate classification (germline): Uncertain significance (1 of 4 stars; one submission).

Conditions:
Inborn genetic diseases. Identifiers: MedGen C0950123, MeSH D030342.

gnomAD v4.1: 1 of 1,613,328 alleles (0.000062%); highest among the groups gnomAD compares: Non-Finnish European, 0.000085%; no homozygotes.

Submission:

Ambry Genetics
Classification: Uncertain significance for Inborn genetic diseases. Last evaluated: 2024-12-25. Review status: criteria provided, single submitter. Criteria: Ambry Variant Classification Scheme 2023. Collection method: clinical testing. Allele origin: germline.
Comment: The p.R332G variant (also known as c.994C>G), located in coding exon 8 of the KDM1A gene, results from a C to G substitution at nucleotide position 994. The arginine at codon 332 is replaced by glycine, an amino acid with dissimilar properties. This amino acid position is conserved. In addition, this alteration is predicted to be deleterious by in silico analysis. Based on the available evidence, the clinical significance of this variant remains unclear.